The following is an entry in ClinVar:

NC_000017.11:g.(?_35103244)_(35119623_?)del

Genes: RAD51D (RAD51 paralog D; minus strand), RAD51L3-RFFL (RAD51L3-RFFL readthrough; minus strand). Cytogenetic location: 17q12.
Variant type: Deletion.
Identifiers: ClinVar variation 584264 (VCV000584264.3).

ClinVar aggregate classification (germline): Pathogenic (1 of 4 stars; one submission).

Conditions:
Breast-ovarian cancer, familial, susceptibility to, 4. Identifiers: Orphanet 145, MedGen C3280345, MONDO:0013669, OMIM 614291.

Submission:

Labcorp Genetics (formerly Invitae), Labcorp
Classification: Pathogenic for Breast-ovarian cancer, familial 4. Last evaluated: 2019-05-08. Review status: criteria provided, single submitter. Criteria: Invitae Variant Classification Sherloc (09022015). Collection method: clinical testing. Allele origin: germline.
Comment: This variant is a gross deletion of the genomic region encompassing exons 1-8 of the RAD51D gene, which includes the initiator codon. The 5' end of this event is unknown as it extends beyond the assayed region for this gene and therefore may encompass additional genes. The 3' boundary is likely confined to intron 8 of the RAD51D gene. This is expected to result in an absent or disrupted protein product. A deletion of exons 1-8 has not been reported in the literature in individuals with RAD51D-related disease. Loss-of-function variants in RAD51D are known to be pathogenic (PMID: 21822267). For these reasons, this variant has been classified as Pathogenic.